The following is an entry in ClinVar:

ClinVar aggregate classification (germline): Uncertain significance (1 of 4 stars; one submission).

Conditions:
Heterotaxy, visceral, 1, X-linked (HTX1). Also called: SITUS INVERSUS, COMPLEX CARDIAC DEFECTS, AND SPLENIC DEFECTS, X-LINKED; DEXTROCARDIA WITH OTHER CARDIAC MALFORMATIONS; Laterality, X-linked; Visceral heterotaxia. Identifiers: Orphanet 450, MedGen C1844020, MONDO:0010607, OMIM 306955.

Allele frequency attached by ClinVar (database versions not stated): gnomAD 0.00001.

Submission:

Labcorp Genetics (formerly Invitae), Labcorp
Classification: Uncertain significance for Heterotaxy, visceral, 1, X-linked. Last evaluated: 2022-07-19. Review status: criteria provided, single submitter. Criteria: Invitae Variant Classification Sherloc (09022015). Collection method: clinical testing. Allele origin: germline.
Comment: In summary, the available evidence is currently insufficient to determine the role of this variant in disease. Therefore, it has been classified as a Variant of Uncertain Significance. Algorithms developed to predict the effect of missense changes on protein structure and function are either unavailable or do not agree on the potential impact of this missense change (SIFT: "Deleterious"; PolyPhen-2: "Benign"; Align-GVGD: "Class C0"). This variant has not been reported in the literature in individuals affected with ZIC3-related conditions. This variant is not present in population databases (gnomAD no frequency). This sequence change replaces histidine, which is basic and polar, with tyrosine, which is neutral and polar, at codon 90 of the ZIC3 protein (p.His90Tyr).

NM_003413.4(ZIC3):c.268C>T (p.His90Tyr)

Gene: ZIC3 (Zic family zinc finger 3; plus strand). Cytogenetic location: Xq26.3.
Variant type: single nucleotide variant.
Coding change: c.268C>T on transcript NM_003413.4 (MANE Select); coding-DNA position 268, C replaced by T.
Protein change: p.His90Tyr; replaces histidine 90 with tyrosine.
Molecular consequence: missense variant.
Genome position (GRCh38, 1-based): chrX:137,566,959, C>T. VCF-style: chrX-137566959-C-T. GRCh37 (hg19) VCF-style: chrX-136649118-C-T.
Other names: c.268C>T, p.His90Tyr (NM_001330661.1); short protein forms H90Y.
Identifiers: ClinVar variation 1718874 (VCV001718874.5), dbSNP rs1177620943, ClinGen allele CA414769545.